The following is an entry in ClinVar:

NM_000548.5(TSC2):c.976-100C>G

Gene: TSC2 (TSC complex subunit 2; plus strand). Cytogenetic location: 16p13.3.
Variant type: single nucleotide variant.
Coding change: c.976-100C>G on transcript NM_000548.5 (MANE Select); 100 bases into the intron before coding-DNA position 976, C replaced by G.
Molecular consequence: intron variant.
Genome position (GRCh38, 1-based): chr16:2,060,570, C>G. VCF-style: chr16-2060570-C-G. GRCh37 (hg19) VCF-style: chr16-2110571-C-G.
Other names: c.976-100C>G (NM_001114382.3, NM_021055.3, NM_001370405.1 and 3 more transcripts); c.865-100C>G (NM_001318827.2); c.376-100C>G (NM_001318831.2); c.829-100C>G (NM_001318829.2); c.1009-100C>G (NM_001318832.2).
Identifiers: ClinVar variation 675047 (VCV000675047.6), dbSNP rs2074968, ClinGen allele CA14236169.

ClinVar aggregate classification (germline): Benign. Review status: criteria provided, multiple submitters, no conflicts (2 of 4 stars). 4 submissions from 4 submitters: Benign (4). Last evaluated 2024-07-15.

Conditions:
Tuberous sclerosis 2 (TSC2). Identifiers: Orphanet 805, MedGen C1860707, MONDO:0013199, OMIM 613254.

Allele frequency attached by ClinVar (database versions not stated): TOPMed 0.52603; gnomAD 0.53103 and 0.53685; 1000 Genomes Project 30x 0.54903; 1000 Genomes Project 0.55751.
gnomAD v4.1: 902,471 of 1,595,738 alleles (57%); highest among the groups gnomAD compares: East Asian, 69%; 257,233 homozygotes.

Submissions (4):

Unidad de Genómica Garrahan, Hospital de Pediatría Garrahan
Classification: Benign. Last evaluated: 2024-07-15. Review status: criteria provided, single submitter. Criteria: ACMG Guidelines, 2015. Collection method: clinical testing. Allele origin: germline. Affected: no. Observed: 43 variant alleles.
Comment: This variant is classified as Benign based on local population frequency. This variant was detected in 46% of patients studied in a panel designed for Epileptic and Developmental Encephalopathy and Progressive Myoclonus Epilepsy. Number of patients: 43. Only high quality variants are reported.

Genome-Nilou Lab
Classification: Benign for Tuberous sclerosis 2. Last evaluated: 2021-07-14. Review status: criteria provided, single submitter. Criteria: ACMG Guidelines, 2015. Collection method: clinical testing. Allele origin: germline. Affected: no.

GeneDx
Classification: Benign. Last evaluated: 2018-06-18. Review status: criteria provided, single submitter. Criteria: GeneDx Variant Classification (06012015). Collection method: clinical testing. Allele origin: germline. Affected: yes.
Comment: This variant is considered likely benign or benign based on one or more of the following criteria: it is a conservative change, it occurs at a poorly conserved position in the protein, it is predicted to be benign by multiple in silico algorithms, and/or has population frequency not consistent with disease.

Breakthrough Genomics
Classification: Benign. Review status: criteria provided, single submitter. Criteria: ACMG Guidelines, 2015. Collection method: not provided. Allele origin: germline. Inheritance: Autosomal dominant inheritance. Affected: yes.